The following is an entry in ClinVar:

ClinVar aggregate classification (germline): Likely pathogenic (1 of 4 stars; one submission).

Conditions:
Neurodevelopmental disorder with impaired speech and hyperkinetic movements. Identifiers: MedGen C5193088, MONDO:0032741, OMIM 618425.

gnomAD v4.1: 27 of 1,564,154 alleles (0.0017%); highest among the groups gnomAD compares: Middle Eastern, 0.051%; no homozygotes.

Submission:

Genomic Medicine Center of Excellence, King Faisal Specialist Hospital and Research Centre
Classification: Likely pathogenic for Neurodevelopmental disorder with impaired speech and hyperkinetic movements. Last evaluated: 2024-10-13. Review status: criteria provided, single submitter. Criteria: ACMG Guidelines, 2015. Collection method: clinical testing. Allele origin: germline.
Comment: This variant (GRCh38; NM_001105537.4:c.280+1G>A) results in a Splice Donor Site mutation in the ZNF142 gene. This alteration is interpreted as disease-causing mutation (Null variant due to canonical + or 2 splice sites) in a gene where LOF is a known mechanism of disease. Not observed at significant frequency in large population cohorts (gnomAD). This variant has a strong Conservation score. Multiple lines of computational evidence support a deleterious effect on the gene or gene product for this variant. To our knowledge this variant not been previously curated or reported in public Database. In summary, this variant meets our criteria for classification as Likely pathogenic based on the evidence outlined.

NM_001379659.1(ZNF142):c.280+1G>A

Gene: ZNF142 (zinc finger protein 142; minus strand). Cytogenetic location: 2q35.
Variant type: single nucleotide variant.
Coding change: c.280+1G>A on transcript NM_001379659.1 (MANE Select); the canonical splice donor site of the intron after coding-DNA position 280, G replaced by A.
Molecular consequence: splice donor variant. On other transcripts: missense variant (4).
Genome position (GRCh38, 1-based): chr2:218,656,149, C>T on the plus strand (G>A on the coding strand, the complement: ZNF142 is on the minus strand). VCF-style: chr2-218656149-C-T. GRCh37 (hg19) VCF-style: chr2-219520872-C-T.
Other names: c.281G>A, p.Gly94Asp (NM_001367339.1, NM_001367340.1, NM_001367341.1 and 1 more transcripts); c.280+1G>A (NM_001379660.1, NM_001379661.1, NM_001379662.1 and 3 more transcripts); c.-332+1G>A (NM_001366289.2, NM_001366288.2, NM_001366287.2); short protein forms G94D.
Identifiers: ClinVar variation 3363139 (VCV003363139.1).